The following is an entry in ClinVar:

NM_000138.5(FBN1):c.5293G>T (p.Val1765Phe)

Gene: FBN1 (fibrillin 1; minus strand). Cytogenetic location: 15q21.1.
Variant type: single nucleotide variant.
Coding change: c.5293G>T on transcript NM_000138.5 (MANE Select); coding-DNA position 5293, G replaced by T.
Protein change: p.Val1765Phe; replaces valine 1765 with phenylalanine.
Molecular consequence: missense variant.
Genome position (GRCh38, 1-based): chr15:48,460,249, C>A on the plus strand (G>T on the coding strand, the complement: FBN1 is on the minus strand). VCF-style: chr15-48460249-C-A. GRCh37 (hg19) VCF-style: chr15-48752446-C-A.
Other names: c.5293G>T, p.Val1765Phe (NM_001406716.1); short protein forms V1765F.
Identifiers: ClinVar variation 1718577 (VCV001718577.5), dbSNP rs2043270857, ClinGen allele CA392347955.

ClinVar aggregate classification (germline): Uncertain significance (1 of 4 stars; one submission).

Conditions:
Marfan syndrome (MFS). Also called: Marfan's syndrome; Marfan syndrome, classic; MARFAN SYNDROME, TYPE I; Marfan syndrome type 1; FBN1-Related Marfan Syndrome. Identifiers: Orphanet 284963, Orphanet 558, MedGen C0024796, MONDO:0007947, OMIM 154700.
Familial thoracic aortic aneurysm and aortic dissection (TAAD). Also called: Thoracic aortic aneurysms and dissections. Identifiers: Orphanet 91387, MedGen C4707243, MONDO:0019625.

Submission:

Labcorp Genetics (formerly Invitae), Labcorp
Classification: Uncertain significance for Marfan syndrome; Familial thoracic aortic aneurysm and aortic dissection. Last evaluated: 2022-09-01. Review status: criteria provided, single submitter. Criteria: Invitae Variant Classification Sherloc (09022015). Collection method: clinical testing. Allele origin: germline.
Comment: This sequence change replaces valine, which is neutral and non-polar, with phenylalanine, which is neutral and non-polar, at codon 1765 of the FBN1 protein (p.Val1765Phe). This variant is not present in population databases (gnomAD no frequency). This variant has not been reported in the literature in individuals affected with FBN1-related conditions. Algorithms developed to predict the effect of missense changes on protein structure and function are either unavailable or do not agree on the potential impact of this missense change (SIFT: "Deleterious"; PolyPhen-2: "Benign"; Align-GVGD: "Class C0"). In summary, the available evidence is currently insufficient to determine the role of this variant in disease. Therefore, it has been classified as a Variant of Uncertain Significance.